The following is an entry in ClinVar:

ClinVar aggregate classification (germline): Uncertain significance (1 of 4 stars; one submission).

Conditions:
Oligodontia-cancer predisposition syndrome. Also called: TOOTH AGENESIS-COLORECTAL CANCER SYNDROME. Identifiers: Orphanet 300576, MedGen C1837750, MONDO:0012075, OMIM 608615. Disease mechanism: loss of function.

Submission:

Labcorp Genetics (formerly Invitae), Labcorp
Classification: Uncertain significance for Oligodontia-cancer predisposition syndrome. Last evaluated: 2024-06-11. Review status: criteria provided, single submitter. Criteria: Invitae Variant Classification Sherloc (09022015). Collection method: clinical testing. Allele origin: germline.
Comment: This sequence change replaces asparagine, which is neutral and polar, with histidine, which is basic and polar, at codon 725 of the AXIN2 protein (p.Asn725His). This variant is not present in population databases (gnomAD no frequency). This variant has not been reported in the literature in individuals affected with AXIN2-related conditions. Algorithms developed to predict the effect of missense changes on protein structure and function output the following: SIFT: "Not Available"; PolyPhen-2: "Benign"; Align-GVGD: "Not Available". The histidine amino acid residue is found in multiple mammalian species, which suggests that this missense change does not adversely affect protein function. In summary, the available evidence is currently insufficient to determine the role of this variant in disease. Therefore, it has been classified as a Variant of Uncertain Significance.

NM_004655.4(AXIN2):c.2173A>C (p.Asn725His)

Gene: AXIN2 (axin 2; minus strand). Cytogenetic location: 17q24.1.
Variant type: single nucleotide variant.
Coding change: c.2173A>C on transcript NM_004655.4 (MANE Select); coding-DNA position 2173, A replaced by C.
Protein change: p.Asn725His; replaces asparagine 725 with histidine.
Molecular consequence: missense variant.
Genome position (GRCh38, 1-based): chr17:65,535,690, T>G on the plus strand (A>C on the coding strand, the complement: AXIN2 is on the minus strand). VCF-style: chr17-65535690-T-G. GRCh37 (hg19) VCF-style: chr17-63531808-T-G.
Other names: c.1978A>C, p.Asn660His (NM_001363813.1); short protein forms N725H, N660H.
Identifiers: ClinVar variation 3656222 (VCV003656222.2).